The following is an entry in ClinVar:

NM_000388.4(CASR):c.1637G>A (p.Cys546Tyr)

Gene: CASR (calcium sensing receptor; plus strand). Cytogenetic location: 3q21.1.
Variant type: single nucleotide variant.
Coding change: c.1637G>A on transcript NM_000388.4 (MANE Select); coding-DNA position 1637, G replaced by A.
Protein change: p.Cys546Tyr; replaces cysteine 546 with tyrosine.
Molecular consequence: missense variant.
Genome position (GRCh38, 1-based): chr3:122,282,141, G>A. VCF-style: chr3-122282141-G-A. GRCh37 (hg19) VCF-style: chr3-122000988-G-A.
Other names: c.1667G>A, p.Cys556Tyr (NM_001178065.2); c.1667G>A (NM_001178065.1); short protein forms C546Y, C556Y.
Identifiers: ClinVar variation 1205777 (VCV001205777.9), dbSNP rs2107648244, ClinGen allele CA354156170.
Genomic context (GRCh38, chr3:122,282,141, plus strand): 5'-AGCCACTCACCTTTGTGCTGTCTGTCCTCCAGGTGCCCTTCTCCAACTGCAGCCGAGACT[G>A]CCTGGCAGGGACCAGGAAAGGGATCATTGAGGGGGAGCCCACCTGCTGCTTTGAGTGTGT-3'
Protein context (NP_000379.3, residues 536-556): EVPFSNCSRD[Cys546Tyr]LAGTRKGIIE

ClinVar aggregate classification (germline): Uncertain significance. Review status: criteria provided, multiple submitters, no conflicts (2 of 4 stars). 3 submissions from 3 submitters: Uncertain significance (3). Last evaluated 2022-10-10.

Conditions:
Autosomal dominant hypocalcemia 1 (HYPOC1). Also called: HYPOCALCEMIA, FAMILIAL. Identifiers: MedGen C3715128, MONDO:0011013, OMIM 601198.
Familial hypocalciuric hypercalcemia (FHH). Also called: Familial benign hypercalcemia. Identifiers: Orphanet 405, MedGen C1809471, MONDO:0018458.
CASR-related disorder. Also called: CASR-related condition.

Submissions (3):

PreventionGenetics, part of Exact Sciences
Classification: Uncertain significance for CASR-related condition. Last evaluated: 2022-10-10. Review status: criteria provided, single submitter. Criteria: ACMG Guidelines, 2015. Collection method: clinical testing. Allele origin: germline.
Comment: The CASR c.1667G>A variant is predicted to result in the amino acid substitution p.Cys556Tyr. To our knowledge, this variant has not been reported in the literature or in a large population database, indicating this variant is rare. At this time, the clinical significance of this variant is uncertain due to the absence of conclusive functional and genetic evidence.

Labcorp Genetics (formerly Invitae), Labcorp
Classification: Uncertain significance for Familial hypocalciuric hypercalcemia; Autosomal dominant hypocalcemia 1. Last evaluated: 2022-10-07. Review status: criteria provided, single submitter. Criteria: Invitae Variant Classification Sherloc (09022015). Collection method: clinical testing. Allele origin: germline.
Comment: This sequence change replaces cysteine, which is neutral and slightly polar, with tyrosine, which is neutral and polar, at codon 546 of the CASR protein (p.Cys546Tyr). This variant is not present in population databases (gnomAD no frequency). This variant has not been reported in the literature in individuals affected with CASR-related conditions. ClinVar contains an entry for this variant (Variation ID: 1205777). Algorithms developed to predict the effect of missense changes on protein structure and function are either unavailable or do not agree on the potential impact of this missense change (SIFT: "Deleterious"; PolyPhen-2: "Probably Damaging"; Align-GVGD: "Class C0"). In summary, the available evidence is currently insufficient to determine the role of this variant in disease. Therefore, it has been classified as a Variant of Uncertain Significance.

GeneDx
Classification: Uncertain significance. Last evaluated: 2021-06-28. Review status: criteria provided, single submitter. Criteria: GeneDx Variant Classification Process June 2021. Collection method: clinical testing. Allele origin: germline. Affected: yes.
Comment: Not observed at significant frequency in large population cohorts (Lek et al., 2016); In silico analysis supports that this missense variant has a deleterious effect on protein structure/function; Has not been previously published as pathogenic or benign to our knowledge; This variant is associated with the following publications: (PMID: 27535533)